The following is an entry in ClinVar:

ClinVar aggregate classification (germline): Uncertain significance. Review status: criteria provided, multiple submitters, no conflicts (2 of 4 stars). 2 submissions from 2 submitters: Uncertain significance (2). Last evaluated 2025-07-16.

Conditions:
Arginase deficiency. Also called: Arginase 1 Deficiency; ARGININEMIA; ARG1 DEFICIENCY. Identifiers: Orphanet 90, MedGen C0268548, MONDO:0008814, OMIM 207800.
Inborn genetic diseases. Identifiers: MedGen C0950123, MeSH D030342.

Allele frequency attached by ClinVar (database versions not stated): ExAC 0.00001; gnomAD 0.00002; TOPMed 0.00002.
gnomAD v4.1: 9 of 1,613,720 alleles (0.00056%); highest among the groups gnomAD compares: East Asian, 0.011%; no homozygotes.

Submissions (2):

Ambry Genetics
Classification: Uncertain significance for Inborn genetic diseases. Last evaluated: 2025-07-16. Review status: criteria provided, single submitter. Criteria: Ambry Variant Classification Scheme 2023. Collection method: clinical testing. Allele origin: germline.

Labcorp Genetics (formerly Invitae), Labcorp
Classification: Uncertain significance for Arginase deficiency. Last evaluated: 2022-06-29. Review status: criteria provided, single submitter. Criteria: Invitae Variant Classification Sherloc (09022015). Collection method: clinical testing. Allele origin: germline.
Comment: This sequence change replaces isoleucine, which is neutral and non-polar, with threonine, which is neutral and polar, at codon 105 of the ARG1 protein (p.Ile105Thr). This variant is present in population databases (rs762306280, gnomAD 0.007%). This variant has not been reported in the literature in individuals affected with ARG1-related conditions. Algorithms developed to predict the effect of missense changes on protein structure and function are either unavailable or do not agree on the potential impact of this missense change (SIFT: "Deleterious"; PolyPhen-2: "Possibly Damaging"; Align-GVGD: "Class C15"). In summary, the available evidence is currently insufficient to determine the role of this variant in disease. Therefore, it has been classified as a Variant of Uncertain Significance.

NM_000045.4(ARG1):c.314T>C (p.Ile105Thr)

Genes: ARG1 (arginase 1; plus strand), MED23 (mediator complex subunit 23; minus strand). Cytogenetic location: 6q23.2.
Variant type: single nucleotide variant.
Coding change: c.314T>C on transcript NM_000045.4 (MANE Select); coding-DNA position 314, T replaced by C.
Protein change: p.Ile105Thr; replaces isoleucine 105 with threonine.
Molecular consequence: missense variant. On other transcripts: non-coding transcript variant (1), intron variant (3).
Genome position (GRCh38, 1-based): chr6:131,581,227, T>C. VCF-style: chr6-131581227-T-C. GRCh37 (hg19) VCF-style: chr6-131902367-T-C.
Other names: c.338T>C, p.Ile113Thr (NM_001244438.2); c.306-1833T>C (NM_001369020.1); c.4077+6482A>G (NM_001270521.2); c.4095+6482A>G (NM_015979.4); short protein forms I105T, I113T.
Identifiers: ClinVar variation 2421281 (VCV002421281.41), dbSNP rs762306280, ClinGen allele CA3999234.
Genomic context (GRCh38, chr6:131,581,227, plus strand): 5'-TATGTAGTGACACTGCAAACCTGATGTTCACACAAAATTTTTTCCCCAAAAGTTTGGCAA[T>C]TGGAAGCATCTCTGGCCATGCCAGGGTCCACCCTGATCTTGGAGTCATCTGGGTGGATGC-3'
Protein context (NP_000036.2, residues 95-115): LVLGGDHSLA[Ile105Thr]GSISGHARVH